The following is an entry in ClinVar:

NM_020937.4(FANCM):c.2085G>C (p.Arg695Ser)

Gene: FANCM (FA complementation group M; plus strand). Cytogenetic location: 14q21.2.
Variant type: single nucleotide variant.
Coding change: c.2085G>C on transcript NM_020937.4 (MANE Select); coding-DNA position 2085, G replaced by C.
Protein change: p.Arg695Ser; replaces arginine 695 with serine.
Molecular consequence: missense variant.
Genome position (GRCh38, 1-based): chr14:45,170,671, G>C. VCF-style: chr14-45170671-G-C. GRCh37 (hg19) VCF-style: chr14-45639874-G-C.
Other names: c.2007G>C, p.Arg669Ser (NM_001308133.2); c.2085G>C (NM_020937.3); short protein forms R695S, R669S.
Identifiers: ClinVar variation 839304 (VCV000839304.15), dbSNP rs368303133, ClinGen allele CA259625600.

ClinVar aggregate classification (germline): Uncertain significance. Review status: criteria provided, multiple submitters, no conflicts (2 of 4 stars). 4 submissions from 4 submitters: Uncertain significance (4). Last evaluated 2025-09-19.

Conditions:
Fanconi anemia (FA). Also called: Fanconi's anemia. Identifiers: Orphanet 84, MedGen C0015625, MeSH D005199, MONDO:0019391.
Spermatogenic failure 28. Identifiers: MedGen C4748117, MONDO:0054732, OMIM 618086.
Premature ovarian failure 15. Identifiers: MedGen C4748170, MONDO:0054862, OMIM 618096.

Allele frequency attached by ClinVar (database versions not stated): gnomAD exomes 0.00001; gnomAD 0.00002; TOPMed 0.00002; ESP Exome Variant Server 0.00008.
gnomAD v4.1: 16 of 1,605,006 alleles (0.001%); highest among the groups gnomAD compares: Middle Eastern, 0.049%; no homozygotes.

Submissions (4):

Labcorp Genetics (formerly Invitae), Labcorp
Classification: Uncertain significance for Fanconi anemia. Last evaluated: 2025-09-19. Review status: criteria provided, single submitter. Criteria: Invitae Variant Classification Sherloc (09022015). Collection method: clinical testing. Allele origin: germline.
Comment: This sequence change replaces arginine, which is basic and polar, with serine, which is neutral and polar, at codon 695 of the FANCM protein (p.Arg695Ser). This variant is not present in population databases (gnomAD no frequency). This variant has not been reported in the literature in individuals affected with FANCM-related conditions. ClinVar contains an entry for this variant (Variation ID: 839304). An algorithm developed to predict the effect of missense changes on protein structure and function (PolyPhen-2) suggests that this variant is likely to be tolerated. In summary, the available evidence is currently insufficient to determine the role of this variant in disease. Therefore, it has been classified as a Variant of Uncertain Significance.

Quest Diagnostics Nichols Institute San Juan Capistrano
Classification: Uncertain significance. Last evaluated: 2025-02-26. Review status: criteria provided, single submitter. Criteria: Quest Diagnostics criteria. Collection method: clinical testing. Allele origin: unknown.
Comment: The FANCM c.2085G>C (p.Arg695Ser) variant has been observed in reportedly healthy individuals (PMID: 36707629 (2023), 33471991 (2021), see also LOVD). The frequency of this variant in the general population (Genome Aggregation Database) is uninformative in the assessment of its pathogenicity. Analysis of this variant using bioinformatics tools for the prediction of the effect of amino acid changes on protein structure and function yielded predictions that this variant is benign. Based on the available information, we are unable to determine the clinical significance of this variant.

GeneDx
Classification: Uncertain significance. Last evaluated: 2024-07-23. Review status: criteria provided, single submitter. Criteria: GeneDx Variant Classification Process June 2021. Collection method: clinical testing. Allele origin: germline. Affected: yes.
Comment: Not observed at significant frequency in large population cohorts (gnomAD); In silico analysis indicates that this missense variant does not alter protein structure/function; Has not been previously published as pathogenic or benign to our knowledge

Fulgent Genetics
Classification: Uncertain significance for Spermatogenic failure 28; Premature ovarian failure 15. Last evaluated: 2021-08-27. Review status: criteria provided, single submitter. Criteria: ACMG Guidelines, 2015. Collection method: clinical testing. Allele origin: unknown.

Literature cited by the submitters: PubMed 33471991 (cited by Quest Diagnostics Nichols Institute San Juan Capistrano); PubMed 36707629 (cited by Quest Diagnostics Nichols Institute San Juan Capistrano).